The following is an entry in ClinVar:

ClinVar aggregate classification (germline): Uncertain significance (1 of 4 stars; one submission).

Conditions:
Inborn genetic diseases. Identifiers: MedGen C0950123, MeSH D030342.

Submission:

Ambry Genetics
Classification: Uncertain significance for Inborn genetic diseases. Last evaluated: 2026-03-23. Review status: criteria provided, single submitter. Criteria: Ambry Variant Classification Scheme 2023. Collection method: clinical testing. Allele origin: germline.
Comment: The c.4781G>C (p.R1594T) alteration is located in exon 30 (coding exon 29) of the ASCC3 gene. This alteration results from a G to C substitution at nucleotide position 4781, causing the arginine (R) at amino acid position 1594 to be replaced by a threonine (T). Based on data from gnomAD, the C allele has an overall frequency of 0.002% (4/250636) total alleles studied. The highest observed frequency was 0.012% (4/34418) of Latino alleles. Based on insufficient or conflicting evidence, the clinical significance of this alteration remains unclear.

NM_006828.4(ASCC3):c.4781G>C (p.Arg1594Thr)

Gene: ASCC3 (activating signal cointegrator 1 complex subunit 3; minus strand). Cytogenetic location: 6q16.3.
Variant type: single nucleotide variant.
Coding change: c.4781G>C on transcript NM_006828.4 (MANE Select); coding-DNA position 4781, G replaced by C.
Protein change: p.Arg1594Thr; replaces arginine 1594 with threonine.
Molecular consequence: missense variant.
Genome position (GRCh38, 1-based): chr6:100,625,196, C>G on the plus strand (G>C on the coding strand, the complement: ASCC3 is on the minus strand). VCF-style: chr6-100625196-C-G. GRCh37 (hg19) VCF-style: chr6-101073072-C-G.
Other names: short protein forms R1594T.
Identifiers: ClinVar variation 4863743 (VCV004863743.1).